The following is an entry in ClinVar:

ClinVar aggregate classification (germline): Uncertain significance (1 of 4 stars; one submission).

Conditions:
Hereditary sensory and autonomic neuropathy type 6. Also called: Neuropathy, hereditary sensory and autonomic, type VI; HSAN VI. Identifiers: Orphanet 314381, MedGen C3539003, MONDO:0013839, OMIM 614653.
Epidermolysis bullosa simplex 3, localized or generalized intermediate, with BP230 deficiency (EBS3). Also called: Epidermolysis bullosa simplex due to BP230 deficiency; Epidermolysis bullosa simplex, autosomal recessive 2. Identifiers: Orphanet 412181, MedGen C3809470, MONDO:0014180, OMIM 615425.

Allele frequency attached by ClinVar (database versions not stated): TOPMed 0.00001; gnomAD 0.00002.
gnomAD v4.1: 6 of 1,613,946 alleles (0.00037%); highest among the groups gnomAD compares: Non-Finnish European, 0.00051%; no homozygotes.

Submission:

Labcorp Genetics (formerly Invitae), Labcorp
Classification: Uncertain significance for Epidermolysis bullosa simplex 3, localized or generalized intermediate, with BP230 deficiency; Hereditary sensory and autonomic neuropathy type 6. Last evaluated: 2024-08-06. Review status: criteria provided, single submitter. Criteria: Invitae Variant Classification Sherloc (09022015). Collection method: clinical testing. Allele origin: germline.
Comment: This sequence change replaces leucine, which is neutral and non-polar, with valine, which is neutral and non-polar, at codon 1131 of the DST protein (p.Leu1131Val). This variant is present in population databases (no rsID available, gnomAD 0.01%). This variant has not been reported in the literature in individuals affected with DST-related conditions. ClinVar contains an entry for this variant (Variation ID: 652497). An algorithm developed to predict the effect of missense changes on protein structure and function (PolyPhen-2) suggests that this variant is likely to be tolerated. In summary, the available evidence is currently insufficient to determine the role of this variant in disease. Therefore, it has been classified as a Variant of Uncertain Significance.

NM_001723.7(DST):c.3391C>G (p.Leu1131Val)

Gene: DST (dystonin; minus strand). Cytogenetic location: 6p12.1.
Variant type: single nucleotide variant.
Coding change: c.3391C>G on transcript NM_001723.7 (MANE Plus Clinical); coding-DNA position 3391, C replaced by G.
Protein change: p.Leu1131Val; replaces leucine 1131 with valine.
Molecular consequence: missense variant. On other transcripts: intron variant (10).
Genome position (GRCh38, 1-based): chr6:56,620,643, G>C on the plus strand (C>G on the coding strand, the complement: DST is on the minus strand). VCF-style: chr6-56620643-G-C. GRCh37 (hg19) VCF-style: chr6-56485441-G-C.
Other names: c.4830+3887C>G (NM_001144769.5); c.4929+3887C>G (NM_001374722.1, NM_001374736.1); c.4956+3887C>G (NM_001374734.1); c.4416+3887C>G (NM_001144770.2); c.4296+3887C>G (NM_001374730.1, NM_001386100.1, NM_183380.4 and 1 more transcripts); c.3318+3887C>G (NM_015548.5); short protein forms L1131V.
Identifiers: ClinVar variation 652497 (VCV000652497.9), dbSNP rs778243971, ClinGen allele CA364572017.
Genomic context (GRCh38, chr6:56,620,643, plus strand): 5'-TTAGTTCAGCTACCATTCTTTCCAACTCACTTATCTTTCCTGTAAGTTTGCTATTCTCAA[G>C]CACTGTTGCCTTCTGACGCTGAAGCAGATCTGAATATGCCCCATGTTCAGAAGTCTCCTT-3'
Protein context (NP_001714.1, residues 1121-1141): DLLQRQKATV[Leu1131Val]ENSKLTGKIS